The following is an entry in ClinVar:

ClinVar aggregate classification (germline): Conflicting classifications of pathogenicity. Review status: criteria provided, conflicting classifications (1 of 4 stars). 2 submissions from 2 submitters: Uncertain significance (1); Likely benign (1). Last evaluated 2025-05-19.

gnomAD v4.1: 6 of 1,613,168 alleles (0.00037%); highest among the groups gnomAD compares: East Asian, 0.0022%; no homozygotes.

Submissions (2):

Dasa
Classification: Uncertain significance. Last evaluated: 2025-05-19. Review status: criteria provided, single submitter. Criteria: DASA Assertion Criteria. Collection method: clinical testing. Allele origin: germline.
Comment: NM_001077653.2(TBX20):c.813+9A>G is a splice-region variant. This variant is rare in population databases. Computational prediction algorithms are consistent with a benign effect. The currently available literature and clinical evidence are not sufficient to establish a definitive association between this variant and the reported condition. Therefore, this variant is classified as a variant of uncertain significance.

Labcorp Genetics (formerly Invitae), Labcorp
Classification: Likely benign. Last evaluated: 2024-04-25. Review status: criteria provided, single submitter. Criteria: Invitae Variant Classification Sherloc (09022015). Collection method: clinical testing. Allele origin: germline.

NM_001077653.2(TBX20):c.813+9A>G

Gene: TBX20 (T-box transcription factor 20; minus strand). Cytogenetic location: 7p14.2.
Variant type: single nucleotide variant.
Coding change: c.813+9A>G on transcript NM_001077653.2 (MANE Select); 9 bases into the intron after coding-DNA position 813, A replaced by G.
Molecular consequence: intron variant.
Genome position (GRCh38, 1-based): chr7:35,240,870, T>C on the plus strand (A>G on the coding strand, the complement: TBX20 is on the minus strand). VCF-style: chr7-35240870-T-C. GRCh37 (hg19) VCF-style: chr7-35280482-T-C.
Other names: c.813+9A>G (NM_001166220.1).
Identifiers: ClinVar variation 3719290 (VCV003719290.4).